The following is an entry in ClinVar:

NM_004407.4(DMP1):c.1534G>A (p.Gly512Ser)

Genes: DMP1 (dentin matrix acidic phosphoprotein 1; plus strand), DMP1-AS1 (DMP1 and DSPP antisense RNA 1; minus strand). Cytogenetic location: 4q22.1.
Variant type: single nucleotide variant.
Coding change: c.1534G>A on transcript NM_004407.4 (MANE Select); coding-DNA position 1534, G replaced by A.
Protein change: p.Gly512Ser; replaces glycine 512 with serine.
Molecular consequence: missense variant.
Genome position (GRCh38, 1-based): chr4:87,663,312, G>A. VCF-style: chr4-87663312-G-A. GRCh37 (hg19) VCF-style: chr4-88584464-G-A.
Other names: c.1486G>A, p.Gly496Ser (NM_001079911.3); short protein forms G512S, G496S.
Identifiers: ClinVar variation 903830 (VCV000903830.10), dbSNP rs377414504, ClinGen allele CA3002219.

ClinVar aggregate classification (germline): Uncertain significance. Review status: criteria provided, multiple submitters, no conflicts (2 of 4 stars). 5 submissions from 5 submitters: Uncertain significance (5). Last evaluated 2025-04-01.

Conditions:
Inborn genetic diseases. Identifiers: MedGen C0950123, MeSH D030342.
Hypophosphatemic rickets, autosomal recessive, 1 (ARHR1). Also called: HYPOPHOSPHATEMIA, AUTOSOMAL RECESSIVE. Identifiers: Orphanet 289176, MedGen C4551495, MONDO:0009430, OMIM 241520. Disease mechanism: loss of function.

Allele frequency attached by ClinVar (database versions not stated): TOPMed 0.00001.
gnomAD v4.1: 20 of 1,614,046 alleles (0.0012%); highest among the groups gnomAD compares: Admixed American, 0.0017%; no homozygotes.

Submissions (5):

Women's Health and Genetics/Laboratory Corporation of America, LabCorp
Classification: Uncertain significance. Last evaluated: 2025-04-01. Review status: criteria provided, single submitter. Criteria: LabCorp Variant Classification Summary - May 2015. Collection method: clinical testing. Allele origin: germline.
Comment: Variant summary: DMP1 c.1534G>A (p.Gly512Ser) results in a non-conservative amino acid change in the encoded protein sequence. Four of five in-silico tools predict a damaging effect of the variant on protein function. The variant allele was found at a frequency of 2e-05 in 251432 control chromosomes. The available data on variant occurrences in the general population are insufficient to allow any conclusion about variant significance. To our knowledge, no occurrence of c.1534G>A in individuals affected with Hypophosphatemic Rickets, Autosomal Recessive, 1 and no experimental evidence demonstrating its impact on protein function have been reported. ClinVar contains an entry for this variant (Variation ID: 903830). Based on the evidence outlined above, the variant was classified as uncertain significance.

Labcorp Genetics (formerly Invitae), Labcorp
Classification: Uncertain significance. Last evaluated: 2024-10-30. Review status: criteria provided, single submitter. Criteria: Invitae Variant Classification Sherloc (09022015). Collection method: clinical testing. Allele origin: germline.
Comment: This sequence change replaces glycine, which is neutral and non-polar, with serine, which is neutral and polar, at codon 512 of the DMP1 protein (p.Gly512Ser). This variant is present in population databases (rs377414504, gnomAD 0.005%). This variant has not been reported in the literature in individuals affected with DMP1-related conditions. ClinVar contains an entry for this variant (Variation ID: 903830). Experimental studies and prediction algorithms are not available or were not evaluated, and the functional significance of this variant is currently unknown. In summary, the available evidence is currently insufficient to determine the role of this variant in disease. Therefore, it has been classified as a Variant of Uncertain Significance.

Ambry Genetics
Classification: Uncertain significance for Inborn genetic diseases. Last evaluated: 2023-12-19. Review status: criteria provided, single submitter. Criteria: Ambry Variant Classification Scheme 2023. Collection method: clinical testing. Allele origin: germline.

Fulgent Genetics
Classification: Uncertain significance for Hypophosphatemic rickets, autosomal recessive, 1. Last evaluated: 2021-12-03. Review status: criteria provided, single submitter. Criteria: ACMG Guidelines, 2015. Collection method: clinical testing. Allele origin: unknown.

Illumina Laboratory Services, Illumina
Classification: Uncertain significance for Hypophosphatemic rickets, autosomal recessive, 1. Last evaluated: 2018-01-13. Review status: criteria provided, single submitter. Criteria: ICSL Variant Classification Criteria 13 December 2019. Collection method: clinical testing. Allele origin: germline.